The following is an entry in ClinVar:

NM_005045.4(RELN):c.9053G>A (p.Arg3018Gln)

Genes: RELN (reelin; minus strand), SLC26A5-AS1 (SLC26A5 antisense RNA 1; plus strand). Cytogenetic location: 7q22.1.
Variant type: single nucleotide variant.
Coding change: c.9053G>A on transcript NM_005045.4 (MANE Select); coding-DNA position 9053, G replaced by A.
Protein change: p.Arg3018Gln; replaces arginine 3018 with glutamine.
Molecular consequence: missense variant.
Genome position (GRCh38, 1-based): chr7:103,496,666, C>T on the plus strand (G>A on the coding strand, the complement: RELN is on the minus strand). VCF-style: chr7-103496666-C-T. GRCh37 (hg19) VCF-style: chr7-103137113-C-T.
Other names: c.9053G>A, p.Arg3018Gln (NM_173054.3); short protein forms R3018Q.
Identifiers: ClinVar variation 954841 (VCV000954841.19), dbSNP rs1828850685, ClinGen allele CA368751504.

ClinVar aggregate classification (germline): Uncertain significance. Review status: criteria provided, multiple submitters, no conflicts (2 of 4 stars). 3 submissions from 3 submitters: Uncertain significance (3). Last evaluated 2025-12-24.

Conditions:
Norman-Roberts syndrome (LIS2). Also called: Lissencephaly 2 (Norman-Roberts type). Identifiers: Orphanet 89844, MedGen C0796089, MONDO:0009760, OMIM 257320.
Familial temporal lobe epilepsy 7. Identifiers: Orphanet 101046, MedGen C4225327, MONDO:0014639, OMIM 616436.

Allele frequency attached by ClinVar (database versions not stated): TOPMed below 0.00001.
gnomAD v4.1: 1 of 1,614,120 alleles (0.000062%); highest among the groups gnomAD compares: Non-Finnish European, 0.000085%; no homozygotes.

Submissions (3):

Labcorp Genetics (formerly Invitae), Labcorp
Classification: Uncertain significance for Familial temporal lobe epilepsy 7; Norman-Roberts syndrome. Last evaluated: 2025-12-24. Review status: criteria provided, single submitter. Criteria: Invitae Variant Classification Sherloc (09022015). Collection method: clinical testing. Allele origin: germline.
Comment: This sequence change replaces arginine, which is basic and polar, with glutamine, which is neutral and polar, at codon 3018 of the RELN protein (p.Arg3018Gln). This variant is not present in population databases (gnomAD no frequency). This variant has not been reported in the literature in individuals affected with RELN-related conditions. ClinVar contains an entry for this variant (Variation ID: 954841). Invitae Evidence Modeling of protein sequence and biophysical properties (such as structural, functional, and spatial information, amino acid conservation, physicochemical variation, residue mobility, and thermodynamic stability) indicates that this missense variant is not expected to disrupt RELN protein function with a negative predictive value of 80%. In summary, the available evidence is currently insufficient to determine the role of this variant in disease. Therefore, it has been classified as a Variant of Uncertain Significance.

CeGaT Center for Human Genetics Tuebingen
Classification: Uncertain significance. Last evaluated: 2025-06-01. Review status: criteria provided, single submitter. Criteria: CeGaT Center For Human Genetics Tuebingen Variant Classification Criteria Version 2. Collection method: clinical testing. Allele origin: germline. Affected: yes. Observed: 1 variant allele.
Comment: RELN: PM2

Laboratorio de Genetica e Diagnostico Molecular, Hospital Israelita Albert Einstein
Classification: Uncertain significance. Last evaluated: 2021-04-26. Review status: criteria provided, single submitter. Criteria: ACMG Guidelines, 2015. Collection method: clinical testing. Allele origin: germline. Affected: yes.
Comment: ACMG classification criteria: PM2, BP4